The following is an entry in ClinVar:

ClinVar aggregate classification (germline): Conflicting classifications of pathogenicity. Review status: criteria provided, conflicting classifications (1 of 4 stars). 3 submissions from 3 submitters: Uncertain significance (2); Benign (1). Last evaluated 2026-08-16.

Conditions:
OTOF-related disorder. Also called: OTOF-related condition.
Autosomal recessive nonsyndromic hearing loss 9. Also called: Deafness, autosomal recessive 9; NEUROSENSORY NONSYNDROMIC RECESSIVE DEAFNESS 9; AUDITORY NEUROPATHY, AUTOSOMAL RECESSIVE, 1, TEMPERATURE-SENSITIVE; OTOF-Related Hearing Loss. Identifiers: Orphanet 90636, MedGen C1832828, MONDO:0010986, OMIM 601071.

Allele frequency attached by ClinVar (database versions not stated): gnomAD exomes 0.00004 and 0.00013; ExAC 0.00012; 1000 Genomes Project 30x 0.00016; 1000 Genomes Project 0.00020; gnomAD 0.00023 and 0.00026; TOPMed 0.00026; ESP Exome Variant Server 0.00038.
gnomAD v4.1: 90 of 1,613,660 alleles (0.0056%); highest among the groups gnomAD compares: African/African-American, 0.081%; no homozygotes.

Submissions (3):

PreventionGenetics, part of Exact Sciences
Classification: Uncertain significance for OTOF-related condition. Last evaluated: 2026-08-16. Review status: criteria provided, single submitter. Criteria: ACMG Guidelines, 2015. Collection method: clinical testing. Allele origin: germline.
Comment: The OTOF c.506G>A variant is predicted to result in the amino acid substitution p.Arg169Gln. To our knowledge, this variant has not been reported in the literature. This variant is reported in 0.10% of alleles in individuals of African descent in gnomAD. Although we suspect that this variant may be benign, at this time, the clinical significance of this variant is uncertain due to the absence of conclusive functional and genetic evidence.

Labcorp Genetics (formerly Invitae), Labcorp
Classification: Benign. Last evaluated: 2025-12-03. Review status: criteria provided, single submitter. Criteria: Invitae Variant Classification Sherloc (09022015). Collection method: clinical testing. Allele origin: germline.

Illumina Laboratory Services, Illumina
Classification: Uncertain significance for Autosomal recessive nonsyndromic hearing loss 9. Last evaluated: 2018-01-12. Review status: criteria provided, single submitter. Criteria: ICSL Variant Classification Criteria 13 December 2019. Collection method: clinical testing. Allele origin: germline.

NM_194248.3(OTOF):c.506G>A (p.Arg169Gln)

Gene: OTOF (otoferlin; minus strand). Cytogenetic location: 2p23.3.
Variant type: single nucleotide variant.
Coding change: c.506G>A on transcript NM_194248.3 (MANE Select); coding-DNA position 506, G replaced by A.
Protein change: p.Arg169Gln; replaces arginine 169 with glutamine.
Molecular consequence: missense variant.
Genome position (GRCh38, 1-based): chr2:26,516,421, C>T on the plus strand (G>A on the coding strand, the complement: OTOF is on the minus strand). VCF-style: chr2-26516421-C-T. GRCh37 (hg19) VCF-style: chr2-26739289-C-T.
Other names: c.506G>A, p.Arg169Gln (NM_001287489.2); short protein forms R169Q.
Identifiers: ClinVar variation 335460 (VCV000335460.13), dbSNP rs149701372, ClinGen allele CA1564653.
Genomic context (GRCh38, chr2:26,516,421, plus strand): 5'-AGGTCTCTTCCCCGTGTCTTGGGAGCAGTGGGCAGCCAGAGGGGTCCTGCCTGTTACCTC[C>T]GGAAGCTCTTCTCTCCTGGGGGCCGGGAGCTGGGCCGGGAGCCTGGGAGCAGTCCATCCG-3'
Protein context (NP_919224.1, residues 159-179): SSRPPGEKSF[Arg169Gln]RAGRSVFSAM